The following is an entry in ClinVar:

NM_005670.4(EPM2A):c.770A>G (p.Glu257Gly)

Gene: EPM2A (EPM2A glucan phosphatase, laforin; minus strand). Cytogenetic location: 6q24.3.
Variant type: single nucleotide variant.
Coding change: c.770A>G on transcript NM_005670.4 (MANE Select); coding-DNA position 770, A replaced by G.
Protein change: p.Glu257Gly; replaces glutamic acid 257 with glycine.
Molecular consequence: missense variant. On other transcripts: synonymous variant (1), non-coding transcript variant (1).
Genome position (GRCh38, 1-based): chr6:145,627,642, T>C on the plus strand (A>G on the coding strand, the complement: EPM2A is on the minus strand). VCF-style: chr6-145627642-T-C. GRCh37 (hg19) VCF-style: chr6-145948778-T-C.
Other names: c.770A>G, p.Glu257Gly (NM_001018041.2); c.528A>G, p.Gly176= (NM_001360057.2); c.356A>G, p.Glu119Gly (NM_001360064.2, NM_001360071.2, NM_001368131.1); c.308A>G, p.Glu103Gly (NM_001368129.2, NM_001368132.1); short protein forms E103G, E119G, E257G.
Identifiers: ClinVar variation 942301 (VCV000942301.9), dbSNP rs1351520468, ClinGen allele CA366190387.

ClinVar aggregate classification (germline): Uncertain significance (1 of 4 stars; one submission).

Conditions:
Progressive myoclonic epilepsy. Also called: Familial progressive myoclonic epilepsy; Myoclonic Epilepsies, Progressive; Myoclonus epilepsy; Progressive myoclonus epilepsy. Identifiers: Orphanet 308, Orphanet 98261, MedGen C0751778, MONDO:0020074.

Allele frequency attached by ClinVar (database versions not stated): gnomAD exomes below 0.00001.

Submission:

Labcorp Genetics (formerly Invitae), Labcorp
Classification: Uncertain significance for Progressive myoclonic epilepsy. Last evaluated: 2023-08-24. Review status: criteria provided, single submitter. Criteria: Invitae Variant Classification Sherloc (09022015). Collection method: clinical testing. Allele origin: germline.
Comment: This variant is present in population databases (no rsID available, gnomAD 0.0009%). In summary, the available evidence is currently insufficient to determine the role of this variant in disease. Therefore, it has been classified as a Variant of Uncertain Significance. Advanced modeling of protein sequence and biophysical properties (such as structural, functional, and spatial information, amino acid conservation, physicochemical variation, residue mobility, and thermodynamic stability) has been performed at Invitae for this missense variant, however the output from this modeling did not meet the statistical confidence thresholds required to predict the impact of this variant on EPM2A protein function. ClinVar contains an entry for this variant (Variation ID: 942301). This variant has not been reported in the literature in individuals affected with EPM2A-related conditions. This sequence change replaces glutamic acid, which is acidic and polar, with glycine, which is neutral and non-polar, at codon 257 of the EPM2A protein (p.Glu257Gly).